The following is an entry in ClinVar:

NM_000135.4(FANCA):c.2740A>G (p.Arg914Gly)

Gene: FANCA (FA complementation group A; minus strand). Cytogenetic location: 16q24.3.
Variant type: single nucleotide variant.
Coding change: c.2740A>G on transcript NM_000135.4 (MANE Select); coding-DNA position 2740, A replaced by G.
Protein change: p.Arg914Gly; replaces arginine 914 with glycine.
Molecular consequence: missense variant.
Genome position (GRCh38, 1-based): chr16:89,764,928, T>C on the plus strand (A>G on the coding strand, the complement: FANCA is on the minus strand). VCF-style: chr16-89764928-T-C. GRCh37 (hg19) VCF-style: chr16-89831336-T-C.
Other names: c.2740A>G, p.Arg914Gly (NM_001286167.3); short protein forms R914G.
Identifiers: ClinVar variation 4870907 (VCV004870907.1).

ClinVar aggregate classification (germline): Uncertain significance (1 of 4 stars; one submission).

Conditions:
Inborn genetic diseases. Identifiers: MedGen C0950123, MeSH D030342.

Submission:

Ambry Genetics
Classification: Uncertain significance for Inborn genetic diseases. Last evaluated: 2026-06-06. Review status: criteria provided, single submitter. Criteria: Ambry Variant Classification Scheme 2023. Collection method: clinical testing. Allele origin: germline.
Comment: The p.R914G variant (also known as c.2740A>G), located in coding exon 28 of the FANCA gene, results from an A to G substitution at nucleotide position 2740. The arginine at codon 914 is replaced by glycine, an amino acid with dissimilar properties. This amino acid position is conserved. In addition, this alteration is predicted to be tolerated by in silico analysis. Based on the available evidence, the clinical significance of this variant remains unclear.